The following is an entry in ClinVar:

NM_014874.4(MFN2):c.1331T>C (p.Leu444Pro)

Gene: MFN2 (mitofusin 2; plus strand). Cytogenetic location: 1p36.22.
Variant type: single nucleotide variant.
Coding change: c.1331T>C on transcript NM_014874.4 (MANE Select); coding-DNA position 1331, T replaced by C.
Protein change: p.Leu444Pro; replaces leucine 444 with proline.
Molecular consequence: missense variant.
Genome position (GRCh38, 1-based): chr1:12,004,552, T>C. VCF-style: chr1-12004552-T-C. GRCh37 (hg19) VCF-style: chr1-12064609-T-C.
Other names: c.1331T>C, p.Leu444Pro (NM_001127660.2); short protein forms L444P.
Identifiers: ClinVar variation 656455 (VCV000656455.10), dbSNP rs1569861490, ClinGen allele CA338446144.

ClinVar aggregate classification (germline): Uncertain significance (1 of 4 stars; one submission).

Conditions:
Charcot-Marie-Tooth disease type 2. Also called: Charcot-Marie-Tooth type 2. Identifiers: Orphanet 64746, MedGen C0270914, MONDO:0018993.

Submission:

Labcorp Genetics (formerly Invitae), Labcorp
Classification: Uncertain significance for Charcot-Marie-Tooth disease type 2. Last evaluated: 2025-11-27. Review status: criteria provided, single submitter. Criteria: Invitae Variant Classification Sherloc (09022015). Collection method: clinical testing. Allele origin: germline.
Comment: This sequence change replaces leucine, which is neutral and non-polar, with proline, which is neutral and non-polar, at codon 444 of the MFN2 protein (p.Leu444Pro). This variant is not present in population databases (gnomAD no frequency). This variant has not been reported in the literature in individuals affected with MFN2-related conditions. ClinVar contains an entry for this variant (Variation ID: 656455). Invitae Evidence Modeling of protein sequence and biophysical properties (such as structural, functional, and spatial information, amino acid conservation, physicochemical variation, residue mobility, and thermodynamic stability) has been performed for this missense variant. However, the output from this modeling did not meet the statistical confidence thresholds required to predict the impact of this variant on MFN2 protein function. In summary, the available evidence is currently insufficient to determine the role of this variant in disease. Therefore, it has been classified as a Variant of Uncertain Significance.